The following is an entry in ClinVar:

NM_000441.2(SLC26A4):c.2065A>T (p.Asn689Tyr)

Gene: SLC26A4 (solute carrier family 26 member 4; plus strand). Cytogenetic location: 7q22.3.
Variant type: single nucleotide variant.
Coding change: c.2065A>T on transcript NM_000441.2 (MANE Select); coding-DNA position 2065, A replaced by T.
Protein change: p.Asn689Tyr; replaces asparagine 689 with tyrosine.
Molecular consequence: missense variant.
Genome position (GRCh38, 1-based): chr7:107,704,361, A>T. VCF-style: chr7-107704361-A-T. GRCh37 (hg19) VCF-style: chr7-107344806-A-T.
Other names: short protein forms N689Y.
Identifiers: ClinVar variation 2188354 (VCV002188354.1), dbSNP rs771151132, ClinGen allele CA4433020.

ClinVar aggregate classification (germline): Uncertain significance (1 of 4 stars; one submission).

Allele frequency attached by ClinVar (database versions not stated): ExAC 0.00002.
gnomAD v4.1: 3 of 1,405,282 alleles (0.00021%); highest among the groups gnomAD compares: Admixed American, 0.0017%; no homozygotes.

Submission:

Labcorp Genetics (formerly Invitae), Labcorp
Classification: Uncertain significance. Last evaluated: 2022-08-23. Review status: criteria provided, single submitter. Criteria: Invitae Variant Classification Sherloc (09022015). Collection method: clinical testing. Allele origin: germline.
Comment: This sequence change replaces asparagine, which is neutral and polar, with tyrosine, which is neutral and polar, at codon 689 of the SLC26A4 protein (p.Asn689Tyr). This variant is present in population databases (rs771151132, gnomAD 0.003%). This variant has not been reported in the literature in individuals affected with SLC26A4-related conditions. Advanced modeling of protein sequence and biophysical properties (such as structural, functional, and spatial information, amino acid conservation, physicochemical variation, residue mobility, and thermodynamic stability) performed at Invitae indicates that this missense variant is not expected to disrupt SLC26A4 protein function. Algorithms developed to predict the effect of sequence changes on RNA splicing suggest that this variant may create or strengthen a splice site. In summary, the available evidence is currently insufficient to determine the role of this variant in disease. Therefore, it has been classified as a Variant of Uncertain Significance.